The following is an entry in ClinVar:

ClinVar aggregate classification (germline): Uncertain significance (1 of 4 stars; one submission).

Conditions:
Hereditary cancer-predisposing syndrome. Also called: Neoplastic Syndromes, Hereditary; Hereditary neoplastic syndrome; Tumor predisposition; Hereditary Cancer Syndrome. Identifiers: Orphanet 140162, MedGen C0027672, MeSH D009386, MONDO:0015356.

Submission:

Ambry Genetics
Classification: Uncertain significance for Hereditary cancer-predisposing syndrome. Last evaluated: 2022-11-25. Review status: criteria provided, single submitter. Criteria: Ambry Variant Classification Scheme 2023. Collection method: clinical testing. Allele origin: germline.
Comment: The p.L199Q variant (also known as c.596T>A), located in coding exon 6 of the FANCC gene, results from a T to A substitution at nucleotide position 596. The leucine at codon 199 is replaced by glutamine, an amino acid with dissimilar properties. This amino acid position is conserved. In addition, this alteration is predicted to be deleterious by in silico analysis. Since supporting evidence is limited at this time, the clinical significance of this alteration remains unclear.

NM_000136.3(FANCC):c.596T>A (p.Leu199Gln)

Genes: AOPEP (aminopeptidase O (putative); plus strand), FANCC (FA complementation group C; minus strand). Cytogenetic location: 9q22.32.
Variant type: single nucleotide variant.
Coding change: c.596T>A on transcript NM_000136.3 (MANE Select); coding-DNA position 596, T replaced by A.
Protein change: p.Leu199Gln; replaces leucine 199 with glutamine.
Molecular consequence: missense variant.
Genome position (GRCh38, 1-based): chr9:95,150,013, A>T on the plus strand (T>A on the coding strand, the complement: FANCC is on the minus strand). VCF-style: chr9-95150013-A-T. GRCh37 (hg19) VCF-style: chr9-97912295-A-T.
Other names: c.596T>A, p.Leu199Gln (NM_001243743.2, NM_001243744.2); short protein forms L199Q.
Identifiers: ClinVar variation 2463089 (VCV002463089.2), dbSNP rs143213659, ClinGen allele CA374109698.